The following is an entry in ClinVar:

ClinVar aggregate classification (germline): Pathogenic (1 of 4 stars; one submission).

Conditions:
Schwartz-Jampel syndrome type 1 (SJS1). Also called: MYOTONIC MYOPATHY, DWARFISM, CHONDRODYSTROPHY, AND OCULAR AND FACIAL ABNORMALITIES; CHONDRODYSTROPHIC MYOTONIA. Identifiers: MedGen C4551479, MONDO:0100435, OMIM 255800.

Submission:

Victorian Clinical Genetics Services, Murdoch Childrens Research Institute
Classification: Pathogenic for Schwartz-Jampel syndrome type 1. Last evaluated: 2024-10-09. Review status: criteria provided, single submitter. Criteria: ACMG Guidelines, 2015. Collection method: clinical testing. Allele origin: germline. Inheritance: Autosomal recessive inheritance. Affected: yes.
Comment: Based on the classification scheme VCGS_Germline_v1.3.4, this variant is classified as Pathogenic. Following criteria are met: 0102 - Loss of function is a known mechanism of disease in this gene and is associated with Silverman-Handmaker type dyssegmental dysplasia (MIM#224410) and Schwartz-Jampel syndrome, type 1 (MIM#255800). (I) 0106 - This gene is associated with autosomal recessive disease. (I) 0201 - Variant is predicted to cause nonsense-mediated decay (NMD) and loss of protein (premature termination codon is located at least 54 nucleotides upstream of the final exon-exon junction). (SP) 0251 - This variant is heterozygous. (I) 0301 - Variant is absent from gnomAD (both v2 and v3). (SP) 0701 - Other NMD-predicted variants comparable to the one identified in this case have very strong previous evidence for pathogenicity (DECIPHER). (SP) 0807 - This variant has no previous evidence of pathogenicity. (I) 0905 - No published segregation evidence has been identified for this variant. (I) 1007 - No published functional evidence has been identified for this variant. (I) Legend: (SP) - Supporting pathogenic, (I) - Information, (SB) - Supporting benign

NM_005529.7(HSPG2):c.3994C>T (p.Gln1332Ter)

Gene: HSPG2 (heparan sulfate proteoglycan 2; minus strand). Cytogenetic location: 1p36.12.
Variant type: single nucleotide variant.
Coding change: c.3994C>T on transcript NM_005529.7 (MANE Select); coding-DNA position 3994, C replaced by T.
Protein change: p.Gln1332Ter; replaces glutamine 1332 with a stop codon.
Molecular consequence: nonsense.
Genome position (GRCh38, 1-based): chr1:21,872,655, G>A on the plus strand (C>T on the coding strand, the complement: HSPG2 is on the minus strand). VCF-style: chr1-21872655-G-A. GRCh37 (hg19) VCF-style: chr1-22199148-G-A.
Other names: c.3997C>T, p.Gln1333Ter (NM_001291860.2); short protein forms Q1332*, Q1333*.
Identifiers: ClinVar variation 3376981 (VCV003376981.1).